The following is an entry in ClinVar:

NM_004183.4(BEST1):c.238T>A (p.Phe80Ile)

Gene: BEST1 (bestrophin 1; plus strand). Cytogenetic location: 11q12.3.
Variant type: single nucleotide variant.
Coding change: c.238T>A on transcript NM_004183.4 (MANE Select); coding-DNA position 238, T replaced by A.
Protein change: p.Phe80Ile; replaces phenylalanine 80 with isoleucine.
Molecular consequence: missense variant. On other transcripts: non-coding transcript variant (1).
Genome position (GRCh38, 1-based): chr11:61,955,192, T>A. VCF-style: chr11-61955192-T-A. GRCh37 (hg19) VCF-style: chr11-61722664-T-A.
Other names: c.58T>A, p.Phe20Ile (NM_001139443.3, NM_001300786.2, NM_001300787.2); c.238T>A, p.Phe80Ile (NM_001363592.2); short protein forms F80I, F20I.
Identifiers: ClinVar variation 418062 (VCV000418062.10), dbSNP rs1064793051, ClinGen allele CA16619354.
Genomic context (GRCh38, chr11:61,955,192, plus strand): 5'-CTGATGTTTGAGAAACTGACTCTGTATTGCGACAGCTACATCCAGCTCATCCCCATTTCC[T>A]TCGTGCTGGGTGAGTTCCCCCTTCTGGCTGTTCCGGGTCCCTGTGGCCGCCCAGGCTCCA-3'
Protein context (NP_004174.1, residues 70-90): DSYIQLIPIS[Phe80Ile]VLGFYVTLVV

ClinVar aggregate classification (germline): Likely pathogenic. Review status: criteria provided, multiple submitters, no conflicts (2 of 4 stars). 2 submissions from 2 submitters: Likely pathogenic (2). Last evaluated 2020-07-22.

Submissions (2):

Labcorp Genetics (formerly Invitae), Labcorp
Classification: Likely pathogenic. Last evaluated: 2020-07-22. Review status: criteria provided, single submitter. Criteria: Invitae Variant Classification Sherloc (09022015). Collection method: clinical testing. Allele origin: germline.
Comment: This variant has been observed in individual(s) with clinical features of autosomal dominant Best vitelliform macular dystrophy (PMID: 28806213). ClinVar contains an entry for this variant (Variation ID: 418062). This variant is not present in population databases (ExAC no frequency). This sequence change replaces phenylalanine with isoleucine at codon 80 of the BEST1 protein (p.Phe80Ile). The phenylalanine residue is highly conserved and there is a small physicochemical difference between phenylalanine and isoleucine. Experimental studies have shown that this variant affects BEST1 protein function or expression (PMID: 27821745). In summary, the currently available evidence indicates that the variant is pathogenic, but additional data are needed to prove that conclusively. Therefore, this variant has been classified as Likely Pathogenic. This variant disrupts the p.Phe80 amino acid residue in BEST1. Other variant(s) that disrupt this residue have been determined to be pathogenic (PMID: 25082885, 26201355). This suggests that this residue is clinically significant, and that variants that disrupt this residue are likely to be disease-causing. Advanced modeling of protein sequence and biophysical properties (such as structural, functional, and spatial information, amino acid conservation, physicochemical variation, residue mobility, and thermodynamic stability) performed at Invitae indicates that this missense variant is expected to disrupt BEST1 protein function.

GeneDx
Classification: Likely pathogenic. Last evaluated: 2015-05-22. Review status: criteria provided, single submitter. Criteria: GeneDx Variant Classification (06012015). Collection method: clinical testing. Allele origin: germline. Affected: yes.
Comment: The F80I variant has not been published as a mutation, nor has it been reported as a benign polymorphism to our knowledge. The F80I variant was not observed in approximately 6,500 individuals of European and African American ancestry in the NHLBI Exome Sequencing Project, indicating it is not a common benign variant in these populations. The F80I variant is a conservative amino acid substitution, which is not likely to impact secondary protein structure as these residues share similar properties. This substitution occurs at a position that is conserved across species. In silico analysis predicts this variant is probably damaging to the protein structure/function. Missense variants in nearby residues, as well as the same codon, (I76V, I76N, F80V, F80C, F80L, V81M, L82V) have been reported in the Human Gene Mutation Database in association with Best macular dystrophy and Juvenile vitelliform macular dystrophy (Stenson et al., 2014), supporting the functional importance of this region of the protein. Therefore, this variant is a strong candidate for a pathogenic mutation; however, the possibility that it is a benign variant cannot be excluded.

Literature cited by the submitters: PubMed 28806213 (cited by Labcorp Genetics (formerly Invitae), Labcorp); PubMed 27821745 (cited by Labcorp Genetics (formerly Invitae), Labcorp); PubMed 25082885 (cited by Labcorp Genetics (formerly Invitae), Labcorp); PubMed 26201355 (cited by Labcorp Genetics (formerly Invitae), Labcorp).